The following is an entry in ClinVar:

ClinVar aggregate classification (germline): Likely benign (1 of 4 stars; one submission).

Allele frequency attached by ClinVar (database versions not stated): gnomAD 0.00072; 1000 Genomes Project 30x 0.00078; 1000 Genomes Project 0.00080.

Submission:

CeGaT Center for Human Genetics Tuebingen
Classification: Likely benign. Last evaluated: 2026-07-01. Review status: criteria provided, single submitter. Criteria: CeGaT Center For Human Genetics Tuebingen Variant Classification Criteria Version 2. Collection method: clinical testing. Allele origin: germline. Affected: yes. Observed: 4 variant alleles.
Comment: SGCE: BP4, BP7, BS1

NM_003919.3(SGCE):c.463+715G>A

Genes: CASD1 (CAS1 domain sialic acid O acetyltransferase 1; plus strand), SGCE (sarcoglycan epsilon; minus strand). Cytogenetic location: 7q21.3.
Variant type: single nucleotide variant.
Coding change: c.463+715G>A on transcript NM_003919.3 (MANE Select); 715 bases into the intron after coding-DNA position 463, G replaced by A.
Molecular consequence: intron variant.
Genome position (GRCh38, 1-based): chr7:94,622,610, C>T on the plus strand (G>A on the coding strand, the complement: SGCE is on the minus strand). VCF-style: chr7-94622610-C-T. GRCh37 (hg19) VCF-style: chr7-94251922-C-T.
Other names: c.340+715G>A (NM_001362809.2, NM_001301139.2); c.463+715G>A (NM_001346717.2, NM_001099400.2, NM_001099401.2); c.571+715G>A (NM_001346715.2, NM_001346713.2); c.376+715G>A (NM_001362807.2, NM_001346719.2); c.190+715G>A (NM_001362808.2, NM_001346720.2).
Identifiers: ClinVar variation 3250852 (VCV003250852.18), dbSNP rs184948709.